The following is an entry in ClinVar:

NM_020964.3(EPG5):c.3791C>T (p.Ala1264Val)

Gene: EPG5 (ectopic P-granules 5 autophagy tethering factor; minus strand). Cytogenetic location: 18q21.1.
Variant type: single nucleotide variant.
Coding change: c.3791C>T on transcript NM_020964.3 (MANE Select); coding-DNA position 3791, C replaced by T.
Protein change: p.Ala1264Val; replaces alanine 1264 with valine.
Molecular consequence: missense variant.
Genome position (GRCh38, 1-based): chr18:45,913,731, G>A on the plus strand (C>T on the coding strand, the complement: EPG5 is on the minus strand). VCF-style: chr18-45913731-G-A. GRCh37 (hg19) VCF-style: chr18-43493696-G-A.
Other names: short protein forms A1264V.
Identifiers: ClinVar variation 958909 (VCV000958909.13), dbSNP rs374324769, ClinGen allele CA8949068.

ClinVar aggregate classification (germline): Uncertain significance. Review status: criteria provided, multiple submitters, no conflicts (2 of 4 stars). 2 submissions from 2 submitters: Uncertain significance (2). Last evaluated 2025-03-01.

Conditions:
Vici syndrome (VICIS). Identifiers: Orphanet 1493, MedGen C1855772, MONDO:0009452, OMIM 242840.
Inborn genetic diseases. Identifiers: MedGen C0950123, MeSH D030342.

Allele frequency attached by ClinVar (database versions not stated): gnomAD exomes 0.00001 and 0.00004; ExAC 0.00006; gnomAD 0.00008 and 0.00009; TOPMed 0.00008; 1000 Genomes Project 30x 0.00016; 1000 Genomes Project 0.00020; ESP Exome Variant Server 0.00025.
gnomAD v4.1: 22 of 1,614,162 alleles (0.0014%); highest among the groups gnomAD compares: African/African-American, 0.028%; no homozygotes.

Submissions (2):

Ambry Genetics
Classification: Uncertain significance for Inborn genetic diseases. Last evaluated: 2025-03-01. Review status: criteria provided, single submitter. Criteria: Ambry Variant Classification Scheme 2023. Collection method: clinical testing. Allele origin: germline.

Labcorp Genetics (formerly Invitae), Labcorp
Classification: Uncertain significance for Vici syndrome. Last evaluated: 2025-01-13. Review status: criteria provided, single submitter. Criteria: Invitae Variant Classification Sherloc (09022015). Collection method: clinical testing. Allele origin: germline.
Comment: This sequence change replaces alanine, which is neutral and non-polar, with valine, which is neutral and non-polar, at codon 1264 of the EPG5 protein (p.Ala1264Val). This variant is present in population databases (rs374324769, gnomAD 0.04%). This variant has not been reported in the literature in individuals affected with EPG5-related conditions. ClinVar contains an entry for this variant (Variation ID: 958909). Invitae Evidence Modeling of protein sequence and biophysical properties (such as structural, functional, and spatial information, amino acid conservation, physicochemical variation, residue mobility, and thermodynamic stability) indicates that this missense variant is not expected to disrupt EPG5 protein function with a negative predictive value of 80%. In summary, the available evidence is currently insufficient to determine the role of this variant in disease. Therefore, it has been classified as a Variant of Uncertain Significance.